The following is an entry in ClinVar:

NM_000444.6(PHEX):c.*231A>G

Genes: PHEX (phosphate regulating endopeptidase X-linked; plus strand), PTCHD1-AS (PTCHD1 and PHEX antisense RNA; minus strand). Cytogenetic location: Xp22.11.
Variant type: single nucleotide variant.
Coding change: c.*231A>G on transcript NM_000444.6 (MANE Select); 231 bases downstream of the stop codon, A replaced by G.
Molecular consequence: 3 prime UTR variant.
Genome position (GRCh38, 1-based): chrX:22,248,184, A>G. VCF-style: chrX-22248184-A-G. GRCh37 (hg19) VCF-style: chrX-22266301-A-G.
Other names: c.*316A>G (NM_001282754.2).
Identifiers: ClinVar variation 597778 (VCV000597778.25), dbSNP rs946863800, ClinGen allele CA327534681.

ClinVar aggregate classification (germline): Conflicting classifications of pathogenicity. Review status: criteria provided, conflicting classifications (1 of 4 stars). 10 submissions from 10 submitters: Pathogenic (2); Likely pathogenic (1); Uncertain significance (7). Last evaluated 2026-07-13.

Conditions:
PHEX-related disorder. Also called: PHEX-related condition.
Familial X-linked hypophosphatemic vitamin D refractory rickets (XLHRD). Also called: X-Linked Hypophosphatemia; Hypophosphatemic Rickets, X-Linked Dominant; HYPOPHOSPHATEMIC VITAMIN D-RESISTANT RICKETS; Hypophosphatemia, vitamin D-resistant rickets; Vitamin D-resistant rickets, X-linked. Identifiers: Orphanet 89936, MedGen C0733682, MONDO:0010619, OMIM 307800.

Allele frequency attached by ClinVar (database versions not stated): gnomAD 0.00001; TOPMed 0.00002; gnomAD exomes 0.00004.
gnomAD v4.1: 12 of 409,702 alleles (0.0029%); highest among the groups gnomAD compares: Non-Finnish European, 0.0047%; no homozygotes.

Submissions (10):

GeneDx
Classification: Uncertain significance. Last evaluated: 2026-07-13. Review status: criteria provided, single submitter. Criteria: GeneDx Variant Classification Process June 2021. Collection method: clinical testing. Allele origin: germline.
Comment: Nucleotide is not conserved across species and the substitution has no predicted effect on splicing; No data available from control populations to assess the frequency of this variant; Located in a regulatory region; in the absence of functional studies, the actual effect of this sequence change is unknown; This variant is associated with the following publications: (PMID: 25042154, 31910300, 37745687, 18625346, 34633109, 31658436, 36530187, 38283708, 38702915, 41467153, 39677929, 30207609, 42343115)

Labcorp Genetics (formerly Invitae), Labcorp
Classification: Uncertain significance. Last evaluated: 2026-01-29. Review status: criteria provided, single submitter. Criteria: Invitae Variant Classification Sherloc (09022015). Collection method: clinical testing. Allele origin: germline.
Comment: This variant occurs in a non-coding region of the PHEX gene. It does not change the encoded amino acid sequence of the PHEX protein. The frequency data for this variant in the population databases is considered unreliable, as metrics indicate insufficient coverage at this position in the gnomAD database. This variant has been observed in individual(s) with X-linked hypophosphatemia when present on the same chromosome as a second PHEX variant, Gain (Exons 13-15). It is unclear whether c.*231A>G alone is sufficient to cause hypophosphatemia. (PMID: 34806794). ClinVar contains an entry for this variant (Variation ID: 597778). Experimental studies and prediction algorithms are not available or were not evaluated, and the functional significance of this variant is currently unknown. In summary, the available evidence is currently insufficient to determine the role of this variant in disease. Therefore, it has been classified as a Variant of Uncertain Significance.

Women's Health and Genetics/Laboratory Corporation of America, LabCorp
Classification: Uncertain significance. Last evaluated: 2025-10-14. Review status: criteria provided, single submitter. Criteria: LabCorp Variant Classification Summary - May 2015. Collection method: clinical testing. Allele origin: germline.
Comment: Variant summary: PHEX c.*231A>G is located in the untranslated mRNA region downstream of the termination codon. The variant allele was found at a frequency of 2.9e-05 in 409702 control chromosomes. The observed variant frequency exceeds the estimated maximal expected allele frequency for disease-causing variants in PHEX. In more recent studies, c.*231A>G was determined to always co-occur in cis with the out-of-frame duplication of exons 13-15 in multiple individuals affected with X-Linked Hypophosphatemic Rickets (XLH) for whom phasing information was available (Rush_2022, Sarafrazi_2022, Dahir_2022). Earlier studies reported detection of c.*231A>G alone in multiple individuals and families affected with XLH (Ichikawa_2008, Mumm_2015, Smith_2020). However, these studies did not report testing for CNVs in the PHEX gene, so it is not known whether these patients also carried the exons 13-15 duplication. The patients reported in all the aforementioned studies exhibited symptoms with a wide spectrum of severity. At least one affected proband was reported to carry the duplication of exons 13-15 without the c.*231A>G variant, suggesting that the duplication can contribute to disease on its own (Rush_2021). To our knowledge, no experimental evidence demonstrating an impact on protein function has been reported. The following publications have been ascertained in the context of this evaluation (PMID: 36530187, 18625346, 25042154, 34633109, 34806794, 31910300). ClinVar contains an entry for this variant (Variation ID: 597778). Based on the evidence outlined above, the variant was classified as uncertain significance.

Revvity Omics, Revvity
Classification: Uncertain significance for Familial X-linked hypophosphatemic vitamin D refractory rickets. Last evaluated: 2025-07-29. Review status: criteria provided, single submitter. Criteria: ACMG Guidelines, 2015. Collection method: clinical testing. Allele origin: germline.

PreventionGenetics, part of Exact Sciences
Classification: Uncertain significance for PHEX-related condition. Last evaluated: 2025-01-23. Review status: criteria provided, single submitter. Criteria: ACMG Guidelines, 2015. Collection method: clinical testing. Allele origin: germline.
Comment: The PHEX c.*231A>G variant is located in the 3' untranslated region. This variant has been reported in cis (on the same allele) along with a multi-exon duplication in multiple individuals and families with hypophosphatemic rickets (HR) (Dahir et al. 2022. PubMed ID: 36530187; Rush et al. 2022. PubMed ID: 34633109). Earlier studies had reported the presence of this variant in several individuals and families with HR; however, these studies did not report testing for CNVs in the PHEX gene, so it is unknown if these individuals also carried the multi-exon duplication (Ichikawa et al. 2008. PubMed ID: 18625346; Smith et al. 2020. PubMed ID: 31910300). The multi-exon duplication has been reported without c.*231A>G in a four generation family with X-linked hypophosphatemia (Soto Barros et al. 2023. PMID: 37059315). This variant has not been reported in a large population database (gnomAD), indicating this variant is rare. It has conflicting classifications listed in ClinVar ranging from uncertain to pathogenic (ClinVar ID: 597778). Although we suspect that this variant may be pathogenic, at this time, the clinical significance of this variant is uncertain due to the absence of conclusive functional and genetic evidence.

Blueprint Genetics
Classification: Uncertain significance. Last evaluated: 2024-08-07. Review status: criteria provided, single submitter. Criteria: ACMG Guidelines, 2015. Collection method: clinical testing. Allele origin: germline.

Pittsburgh Clinical Genomics Laboratory, University of Pittsburgh Medical Center
Classification: Uncertain significance for Familial X-linked hypophosphatemic vitamin D refractory rickets. Last evaluated: 2024-07-19. Review status: criteria provided, single submitter. Criteria: ACMG Guidelines, 2015. Collection method: clinical testing. Allele origin: germline. Inheritance: X-linked dominant inheritance. Affected: yes.
Comment: This sequence variant is a single nucleotide substitution (A>G) at 231 nucleotides into the 3' UTR sequence of the PHEX gene. This is a previously reported variant (ClinVar 597778) variant that falls 3 nucleotides upstream of the putative polyadenylation signal (PMID: 18625346) and has been observed in individuals affected by X-linked hypophosphatemia (PMID: 34633109, 31910300, 18625346, 25042154, 36530187). This variant is most often observed in cis with the duplication of exons 13-15 in the PHEX coding sequence (PMID: 34633109, 36530187, 37059315, 34806794, 22319799). The intragenic duplication has been observed independent of c.*231A>G in several individuals with disease severity similar to that of the variants in cis (PMID: 34633109, 37059315). At this time, it is unclear in the literature if c.*231A>G is disease causing on its own (PMID: 34806794). This variant is present in 12 of 409702 alleles (0.003%) in the gnomAD v4.0.0 population dataset. The nucleotide at this position is not well conserved across the vertebrate species examined. Studies examining the functional consequence of this variant have not been published, to our knowledge. At this time, there is insufficient evidence to determine if this variant is pathogenic or benign. Therefore, we consider this a variant of uncertain significance. ACMG Criteria: BP2, PM2, PS4

Fulgent Genetics
Classification: Likely pathogenic for Familial X-linked hypophosphatemic vitamin D refractory rickets. Last evaluated: 2024-02-14. Review status: criteria provided, single submitter. Criteria: ACMG Guidelines, 2015. Collection method: clinical testing. Allele origin: germline.

CENTOGENE GmbH and LLC - Guiding Precision Medicine
Classification: Pathogenic for Familial X-linked hypophosphatemic vitamin D refractory rickets. Last evaluated: 2019-03-05. Review status: criteria provided, single submitter. Criteria: ACMG Guidelines, 2015. Collection method: clinical testing. Allele origin: germline. Affected: yes.

Eurofins Ntd Llc (ga)
Classification: Pathogenic. Last evaluated: 2018-07-11. Review status: criteria provided, single submitter. Criteria: EGL ClinVar v180209 classification definitions. Collection method: clinical testing. Allele origin: germline. Observed: 1 variant allele, 1 hemizygote.

Literature cited by the submitters: PubMed 34806794 (cited by 3 submitters); PubMed 18625346 (cited by Women's Health and Genetics/Laboratory Corporation of America, LabCorp and Pittsburgh Clinical Genomics Laboratory, University of Pittsburgh Medical Center); PubMed 25042154 (cited by Women's Health and Genetics/Laboratory Corporation of America, LabCorp and Pittsburgh Clinical Genomics Laboratory, University of Pittsburgh Medical Center); PubMed 31910300 (cited by Women's Health and Genetics/Laboratory Corporation of America, LabCorp and Pittsburgh Clinical Genomics Laboratory, University of Pittsburgh Medical Center); PubMed 34633109 (cited by Women's Health and Genetics/Laboratory Corporation of America, LabCorp and Pittsburgh Clinical Genomics Laboratory, University of Pittsburgh Medical Center); PubMed 36530187 (cited by Women's Health and Genetics/Laboratory Corporation of America, LabCorp and Pittsburgh Clinical Genomics Laboratory, University of Pittsburgh Medical Center); PubMed 37059315 (cited by Pittsburgh Clinical Genomics Laboratory, University of Pittsburgh Medical Center); PubMed 22319799 (cited by Pittsburgh Clinical Genomics Laboratory, University of Pittsburgh Medical Center).